The following is an entry in ClinVar:

ClinVar aggregate classification (germline): Uncertain significance (1 of 4 stars; one submission).

Conditions:
Polycystic kidney disease, adult type (PKD1). Also called: Polycystic Kidney Disease 1, Autosomal Dominant; Polycystic kidney disease 1; Polycystic kidney disease 1, severe; POLYCYSTIC KIDNEY DISEASE 1 WITH OR WITHOUT POLYCYSTIC LIVER DISEASE; Polycystic Kidney, Autosomal Dominant; POLYCYSTIC KIDNEY DISEASE, ADULT, TYPE I. Identifiers: MedGen C3149841, MONDO:0008263, OMIM 173900.

Submission:

MVZ Medizinische Genetik Mainz
Classification: Uncertain significance for Polycystic kidney disease, adult type. Last evaluated: 2025-12-02. Review status: criteria provided, single submitter. Criteria: UK Practice Guidelines For Variant Classification V4 01 2020. Collection method: clinical testing. Allele origin: germline. Inheritance: Autosomal dominant inheritance. Affected: yes. Observed: 1 variant allele.
Comment: ACMG Criteria: PM2_SUP,PP4

NM_001009944.3(PKD1):c.10404A>G (p.Ser3468=)

Gene: PKD1 (polycystin 1, transient receptor potential channel interacting; minus strand). Cytogenetic location: 16p13.3.
Variant type: single nucleotide variant.
Coding change: c.10404A>G on transcript NM_001009944.3 (MANE Select); coding-DNA position 10404, A replaced by G.
Protein change: p.Ser3468=; no amino-acid change (serine 3468 retained).
Molecular consequence: synonymous variant.
Genome position (GRCh38, 1-based): chr16:2,097,320, T>C on the plus strand (A>G on the coding strand, the complement: PKD1 is on the minus strand). VCF-style: chr16-2097320-T-C. GRCh37 (hg19) VCF-style: chr16-2147321-T-C.
Other names: c.10401A>G, p.Ser3467= (NM_000296.4).
Identifiers: ClinVar variation 4849198 (VCV004849198.1).